The following is an entry in ClinVar:

NM_001365951.3(KIF1B):c.3922T>C (p.Trp1308Arg)

Gene: KIF1B (kinesin family member 1B; plus strand). Cytogenetic location: 1p36.22.
Variant type: single nucleotide variant.
Coding change: c.3922T>C on transcript NM_001365951.3 (MANE Select); coding-DNA position 3922, T replaced by C.
Protein change: p.Trp1308Arg; replaces tryptophan 1308 with arginine.
Molecular consequence: missense variant.
Genome position (GRCh38, 1-based): chr1:10,348,706, T>C. VCF-style: chr1-10348706-T-C. GRCh37 (hg19) VCF-style: chr1-10408764-T-C.
Other names: c.3922T>C, p.Trp1308Arg (NM_001365952.1); c.3784T>C, p.Trp1262Arg (NM_015074.3); short protein forms W1262R, W1308R.
Identifiers: ClinVar variation 1734872 (VCV001734872.2), dbSNP rs2521799245, ClinGen allele CA338343758.

ClinVar aggregate classification (germline): Uncertain significance (1 of 4 stars; one submission).

Submission:

Ambry Genetics
Classification: Uncertain significance. Last evaluated: 2022-10-29. Review status: criteria provided, single submitter. Criteria: Ambry Variant Classification Scheme 2023. Collection method: clinical testing. Allele origin: germline.
Comment: The p.W1262R variant (also known as c.3784T>C), located in coding exon 34 of the KIF1B gene, results from a T to C substitution at nucleotide position 3784. The tryptophan at codon 1262 is replaced by arginine, an amino acid with dissimilar properties. This amino acid position is conserved. In addition, this alteration is predicted to be deleterious by in silico analysis. Since supporting evidence is limited at this time, the clinical significance of this alteration remains unclear.